The following is an entry in ClinVar:

ClinVar aggregate classification (germline): Uncertain significance (1 of 4 stars; one submission).

Conditions:
Hereditary cancer-predisposing syndrome. Also called: Tumor predisposition; Hereditary Cancer Syndrome; Hereditary neoplastic syndrome; Neoplastic Syndromes, Hereditary. Identifiers: Orphanet 140162, MedGen C0027672, MeSH D009386, MONDO:0015356.

Submission:

Ambry Genetics
Classification: Uncertain significance for Hereditary cancer-predisposing syndrome. Last evaluated: 2023-08-26. Review status: criteria provided, single submitter. Criteria: Ambry Variant Classification Scheme 2023. Collection method: clinical testing. Allele origin: germline.
Comment: The p.Y19H variant (also known as c.55T>C), located in coding exon 1 of the BRIP1 gene, results from a T to C substitution at nucleotide position 55. The tyrosine at codon 19 is replaced by histidine, an amino acid with similar properties. This amino acid position is poorly conserved in available vertebrate species. In addition, this alteration is predicted to be tolerated by in silico analysis. Since supporting evidence is limited at this time, the clinical significance of this alteration remains unclear.

NM_032043.3(BRIP1):c.55T>C (p.Tyr19His)

Gene: BRIP1 (BRCA1 interacting DNA helicase 1; minus strand). Cytogenetic location: 17q23.2.
Variant type: single nucleotide variant.
Coding change: c.55T>C on transcript NM_032043.3 (MANE Select); coding-DNA position 55, T replaced by C.
Protein change: p.Tyr19His; replaces tyrosine 19 with histidine.
Molecular consequence: missense variant.
Genome position (GRCh38, 1-based): chr17:61,861,485, A>G on the plus strand (T>C on the coding strand, the complement: BRIP1 is on the minus strand). VCF-style: chr17-61861485-A-G. GRCh37 (hg19) VCF-style: chr17-59938846-A-G.
Other names: short protein forms Y19H.
Identifiers: ClinVar variation 2626392 (VCV002626392.2), dbSNP rs2145864677, ClinGen allele CA400485981.